The following is an entry in ClinVar:

NM_133642.5(LARGE1):c.893-17C>G

Gene: LARGE1 (LARGE xylosyl- and glucuronyltransferase 1; minus strand). Cytogenetic location: 22q12.3.
Variant type: single nucleotide variant.
Coding change: c.893-17C>G on transcript NM_133642.5 (MANE Select); 17 bases into the intron before coding-DNA position 893, C replaced by G.
Molecular consequence: intron variant.
Genome position (GRCh38, 1-based): chr22:33,384,321, G>C on the plus strand (C>G on the coding strand, the complement: LARGE1 is on the minus strand). VCF-style: chr22-33384321-G-C. GRCh37 (hg19) VCF-style: chr22-33780307-G-C.
Other names: c.893-17C>G (NM_001362953.2, NM_001362949.2, NM_001378627.1 and 7 more transcripts); c.290-17C>G (NM_001378631.1, NM_001378630.1).
Identifiers: ClinVar variation 138076 (VCV000138076.17), dbSNP rs139572378, ClinGen allele CA291868.
Genomic context (GRCh38, chr22:33,384,321, plus strand): 5'-CCATTTCATCTTCCGCAGCTTATCCAGAAGTAACAGGATCACCCCTGGGCAACAGCACAG[G>C]ATAAAAGAGAAAATTAAAAAATAAAAAAGATGGAGAGCTAGGCACACCTACTCACATCAC-3'

ClinVar aggregate classification (germline): Benign/Likely benign. Review status: criteria provided, multiple submitters, no conflicts (2 of 4 stars). 5 submissions from 5 submitters: Benign (2); Likely benign (1). 2 of the submissions do not count toward it. Last evaluated 2026-02-01.

Conditions:
Muscular dystrophy-dystroglycanopathy type B6 (MDDGB6). Also called: MUSCULAR DYSTROPHY, CONGENITAL, LARGE-RELATED; MUSCULAR DYSTROPHY, CONGENITAL, TYPE 1D; MUSCULAR DYSTROPHY-DYSTROGLYCANOPATHY (CONGENITAL WITH IMPAIRED INTELLECTUAL DEVELOPMENT), TYPE B, 6. Identifiers: MedGen C1837229, MONDO:0012138, OMIM 608840.

Allele frequency attached by ClinVar (database versions not stated): 1000 Genomes Project 0.00060; 1000 Genomes Project 30x 0.00094; gnomAD 0.00097 and 0.00102; ESP Exome Variant Server 0.00100; gnomAD exomes 0.00112 and 0.00152; ExAC 0.00121; TOPMed 0.00124.
gnomAD v4.1: 2,310 of 1,571,596 alleles (0.15%); highest among the groups gnomAD compares: Non-Finnish European, 0.18%; 2 homozygotes.

Submissions (6):

Labcorp Genetics (formerly Invitae), Labcorp
Classification: Benign for Muscular dystrophy-dystroglycanopathy type B6. Last evaluated: 2026-02-01. Review status: criteria provided, single submitter. Criteria: Invitae Variant Classification Sherloc (09022015). Collection method: clinical testing. Allele origin: germline.

Blueprint Genetics
Classification: Likely benign. Last evaluated: 2024-11-28. Review status: criteria provided, single submitter. Criteria: ACMG Guidelines, 2015. Collection method: clinical testing. Allele origin: germline.

GeneDx
Classification: Benign. Last evaluated: 2014-02-26. Review status: criteria provided, single submitter. Criteria: GeneDx Variant Classification (06012015). Collection method: clinical testing. Allele origin: germline. Affected: yes.
Comment: This variant is considered likely benign or benign based on one or more of the following criteria: it is a conservative change, it occurs at a poorly conserved position in the protein, it is predicted to be benign by multiple in silico algorithms, and/or has population frequency not consistent with disease.

Clinical Genetics DNA and cytogenetics Diagnostics Lab, Erasmus MC, Erasmus Medical Center
Classification: Benign. Review status: no assertion criteria provided. Collection method: clinical testing. Allele origin: germline. Affected: yes. Study: VKGL Data-share Consensus. Not counted in ClinVar's aggregate classification.

Dr. Peter K. Rogan Lab, Western University
No classification provided (evidence only). Condition: Lung cancer. Review status: no classification provided. Collection method: in vitro. Allele origin: not applicable. Functional consequence: retained intron. Not counted in ClinVar's aggregate classification.

Genome Diagnostics Laboratory, University Medical Center Utrecht
Classification: Benign. Review status: no assertion criteria provided. Collection method: clinical testing. Allele origin: germline. Affected: yes. Study: VKGL Data-share Consensus. Not counted in ClinVar's aggregate classification.